The following is an entry in ClinVar:

ClinVar aggregate classification (germline): Uncertain significance. Review status: criteria provided, multiple submitters, no conflicts (2 of 4 stars). 2 submissions from 2 submitters: Uncertain significance (2). Last evaluated 2025-01-24.

gnomAD v4.1: 108 of 1,135,248 alleles (0.0095%); highest among the groups gnomAD compares: African/African-American, 0.15%; no homozygotes.

Submissions (2):

Ambry Genetics
Classification: Uncertain significance. Last evaluated: 2025-01-24. Review status: criteria provided, single submitter. Criteria: Ambry Variant Classification Scheme 2023. Collection method: clinical testing. Allele origin: germline.

Labcorp Genetics (formerly Invitae), Labcorp
Classification: Uncertain significance. Last evaluated: 2024-07-03. Review status: criteria provided, single submitter. Criteria: Invitae Variant Classification Sherloc (09022015). Collection method: clinical testing. Allele origin: germline.
Comment: This sequence change replaces aspartic acid, which is acidic and polar, with tyrosine, which is neutral and polar, at codon 1710 of the CASZ1 protein (p.Asp1710Tyr). The frequency data for this variant in the population databases is considered unreliable, as metrics indicate poor data quality at this position in the gnomAD database. This variant has not been reported in the literature in individuals affected with CASZ1-related conditions. Experimental studies and prediction algorithms are not available or were not evaluated, and the functional significance of this variant is currently unknown. In summary, the available evidence is currently insufficient to determine the role of this variant in disease. Therefore, it has been classified as a Variant of Uncertain Significance.

NM_001079843.3(CASZ1):c.5128G>T (p.Asp1710Tyr)

Gene: CASZ1 (castor zinc finger 1; minus strand). Cytogenetic location: 1p36.22.
Variant type: single nucleotide variant.
Coding change: c.5128G>T on transcript NM_001079843.3 (MANE Select); coding-DNA position 5128, G replaced by T.
Protein change: p.Asp1710Tyr; replaces aspartic acid 1710 with tyrosine.
Molecular consequence: missense variant.
Genome position (GRCh38, 1-based): chr1:10,639,094, C>A on the plus strand (G>T on the coding strand, the complement: CASZ1 is on the minus strand). VCF-style: chr1-10639094-C-A. GRCh37 (hg19) VCF-style: chr1-10699151-C-A.
Other names: c.5128G>T (NM_001079843.1); short protein forms D1710Y.
Identifiers: ClinVar variation 3658341 (VCV003658341.3).